The following is an entry in ClinVar:

NM_001365951.3(KIF1B):c.4253C>T (p.Pro1418Leu)

Gene: KIF1B (kinesin family member 1B; plus strand). Cytogenetic location: 1p36.22.
Variant type: single nucleotide variant.
Coding change: c.4253C>T on transcript NM_001365951.3 (MANE Select); coding-DNA position 4253, C replaced by T.
Protein change: p.Pro1418Leu; replaces proline 1418 with leucine.
Molecular consequence: missense variant.
Genome position (GRCh38, 1-based): chr1:10,361,774, C>T. VCF-style: chr1-10361774-C-T. GRCh37 (hg19) VCF-style: chr1-10421832-C-T.
Other names: c.4253C>T, p.Pro1418Leu (NM_001365952.1); c.4115C>T, p.Pro1372Leu (NM_015074.3); short protein forms P1372L, P1418L.
Identifiers: ClinVar variation 4858843 (VCV004858843.1).

ClinVar aggregate classification (germline): Uncertain significance (1 of 4 stars; one submission).

Submission:

Ambry Genetics
Classification: Uncertain significance. Last evaluated: 2026-04-20. Review status: criteria provided, single submitter. Criteria: Ambry Variant Classification Scheme 2023. Collection method: clinical testing. Allele origin: germline.
Comment: The p.P1372L variant (also known as c.4115C>T), located in coding exon 37 of the KIF1B gene, results from a C to T substitution at nucleotide position 4115. The proline at codon 1372 is replaced by leucine, an amino acid with similar properties. This amino acid position is conserved. In addition, the in silico prediction for this alteration is inconclusive. Based on the available evidence, the clinical significance of this variant remains unclear.